The following is an entry in ClinVar:

NM_001035.3(RYR2):c.14550CTT[2] (p.Phe4853del)

Gene: RYR2 (ryanodine receptor 2; plus strand). Cytogenetic location: 1q43.
Variant type: Microsatellite.
Coding change: c.14550CTT[2] on transcript NM_001035.3 (MANE Select); two copies in a row of the 3-base unit CTT starting at c.14550; the reference has three copies in a row; one copy, 3 bases deleted; also written c.14556_14558del.
Protein change: p.Phe4853del; deletes phenylalanine 4853.
Molecular consequence: inframe deletion.
Genome position (GRCh38, 1-based): chr1:237,819,158-237,819,160, CTT deleted; deleting any 3 consecutive bases within chr1:237,819,150-237,819,160 gives the same sequence; the position shown is the placement nearest the transcript's 3' end. VCF-style (leftmost placement, unchanged base first): chr1-237819149-TTTC-T. GRCh37 (hg19) VCF-style: chr1-237982449-TTTC-T.
Other names: c.14556_14558delCTT (NM_001035.2); c.14556_14558del (NM_001035.3); short protein forms F4853del.
Identifiers: ClinVar variation 2743511 (VCV002743511.5), dbSNP rs2528296866, ClinGen allele CA2697547706.

ClinVar aggregate classification (germline): Uncertain significance. Review status: criteria provided, multiple submitters, no conflicts (2 of 4 stars). 3 submissions from 3 submitters: Uncertain significance (3). Last evaluated 2025-08-29.

Conditions:
RYR2-related disorder. Also called: RYR2-related condition.
Catecholaminergic polymorphic ventricular tachycardia 1. Also called: VENTRICULAR TACHYCARDIA, CATECHOLAMINERGIC POLYMORPHIC, 1, WITH OR WITHOUT ATRIAL DYSFUNCTION AND/OR DILATED CARDIOMYOPATHY; VENTRICULAR TACHYCARDIA, STRESS-INDUCED POLYMORPHIC 1; RYR2-Related Catecholaminergic Polymorphic Ventricular Tachycardia. Identifiers: Orphanet 3286, MedGen C1631597, MONDO:0011484, OMIM 604772.
Ventricular arrhythmias due to cardiac ryanodine receptor calcium release deficiency syndrome. Also called: Autosomal dominant cardiac arrhythmia (Kuhn). Identifiers: MedGen C5542154, MONDO:0020745, OMIM 115000.

Submissions (3):

PreventionGenetics, part of Exact Sciences
Classification: Uncertain significance for RYR2-related condition. Last evaluated: 2025-08-29. Review status: criteria provided, single submitter. Criteria: ACMG Guidelines, 2015. Collection method: clinical testing. Allele origin: germline.
Comment: The RYR2 c.14556_14558delCTT variant is predicted to result in an in-frame deletion (p.Phe4853del). To our knowledge, this variant has not been reported in the literature or in a large population database (gnomAD), indicating this variant is rare. At this time, the clinical significance of this variant is uncertain due to the absence of conclusive functional and genetic evidence.

Labcorp Genetics (formerly Invitae), Labcorp
Classification: Uncertain significance for Catecholaminergic polymorphic ventricular tachycardia 1. Last evaluated: 2025-04-09. Review status: criteria provided, single submitter. Criteria: Invitae Variant Classification Sherloc (09022015). Collection method: clinical testing. Allele origin: germline.
Comment: This variant, c.14556_14558del, results in the deletion of 1 amino acid(s) of the RYR2 protein (p.Phe4853del), but otherwise preserves the integrity of the reading frame. This variant is not present in population databases (gnomAD no frequency). This variant has not been reported in the literature in individuals affected with RYR2-related conditions. Experimental studies and prediction algorithms are not available or were not evaluated, and the functional significance of this variant is currently unknown. In summary, the available evidence is currently insufficient to determine the role of this variant in disease. Therefore, it has been classified as a Variant of Uncertain Significance.

KardioGenetik, Herz- und Diabeteszentrum NRW
Classification: Uncertain significance for Ventricular arrhythmias due to cardiac ryanodine receptor calcium release deficiency syndrome. Last evaluated: 2024-06-07. Review status: criteria provided, single submitter. Criteria: ACMG Guidelines, 2015. Collection method: clinical testing. Allele origin: unknown. Affected: yes. Observed: 1 variant allele.
Comment: ACMG Criteria: PM1, PM2_supporting